The following is an entry in ClinVar:

NM_003322.6(TULP1):c.1070C>T (p.Thr357Ile)

Gene: TULP1 (TUB like protein 1; minus strand). Cytogenetic location: 6p21.31.
Variant type: single nucleotide variant.
Coding change: c.1070C>T on transcript NM_003322.6 (MANE Select); coding-DNA position 1070, C replaced by T.
Protein change: p.Thr357Ile; replaces threonine 357 with isoleucine.
Molecular consequence: missense variant.
Genome position (GRCh38, 1-based): chr6:35,505,783, G>A on the plus strand (C>T on the coding strand, the complement: TULP1 is on the minus strand). VCF-style: chr6-35505783-G-A. GRCh37 (hg19) VCF-style: chr6-35473560-G-A.
Other names: c.911C>T, p.Thr304Ile (NM_001289395.2); c.1070C>T (NM_003322.3); short protein forms T304I, T357I.
Identifiers: ClinVar variation 2059022 (VCV002059022.4), dbSNP rs760121380, ClinGen allele CA3772698.

ClinVar aggregate classification (germline): Uncertain significance. Review status: criteria provided, multiple submitters, no conflicts (2 of 4 stars). 2 submissions from 2 submitters: Uncertain significance (2). Last evaluated 2024-10-16.

Conditions:
Inborn genetic diseases. Identifiers: MedGen C0950123, MeSH D030342.

Allele frequency attached by ClinVar (database versions not stated): ExAC 0.00002; gnomAD exomes below 0.00001; TOPMed 0.00002; gnomAD 0.00003.
gnomAD v4.1: 10 of 1,614,086 alleles (0.00062%); highest among the groups gnomAD compares: East Asian, 0.0089%; no homozygotes.

Submissions (2):

Labcorp Genetics (formerly Invitae), Labcorp
Classification: Uncertain significance. Last evaluated: 2024-10-16. Review status: criteria provided, single submitter. Criteria: Invitae Variant Classification Sherloc (09022015). Collection method: clinical testing. Allele origin: germline.
Comment: This sequence change replaces threonine, which is neutral and polar, with isoleucine, which is neutral and non-polar, at codon 357 of the TULP1 protein (p.Thr357Ile). This variant is present in population databases (rs760121380, gnomAD 0.02%). This variant has not been reported in the literature in individuals affected with TULP1-related conditions. ClinVar contains an entry for this variant (Variation ID: 2059022). Invitae Evidence Modeling of protein sequence and biophysical properties (such as structural, functional, and spatial information, amino acid conservation, physicochemical variation, residue mobility, and thermodynamic stability) has been performed for this missense variant. However, the output from this modeling did not meet the statistical confidence thresholds required to predict the impact of this variant on TULP1 protein function. In summary, the available evidence is currently insufficient to determine the role of this variant in disease. Therefore, it has been classified as a Variant of Uncertain Significance.

Ambry Genetics
Classification: Uncertain significance for Inborn genetic diseases. Last evaluated: 2024-03-07. Review status: criteria provided, single submitter. Criteria: Ambry Variant Classification Scheme 2023. Collection method: clinical testing. Allele origin: germline.